The following is an entry in ClinVar:

NM_014918.5(CHSY1):c.2320A>G (p.Thr774Ala)

Gene: CHSY1 (chondroitin sulfate synthase 1; minus strand). Cytogenetic location: 15q26.3.
Variant type: single nucleotide variant.
Coding change: c.2320A>G on transcript NM_014918.5 (MANE Select); coding-DNA position 2320, A replaced by G.
Protein change: p.Thr774Ala; replaces threonine 774 with alanine.
Molecular consequence: missense variant.
Genome position (GRCh38, 1-based): chr15:101,177,477, T>C on the plus strand (A>G on the coding strand, the complement: CHSY1 is on the minus strand). VCF-style: chr15-101177477-T-C. GRCh37 (hg19) VCF-style: chr15-101717682-T-C.
Other names: short protein forms T774A.
Identifiers: ClinVar variation 966757 (VCV000966757.8), dbSNP rs556065115, ClinGen allele CA393956382.

ClinVar aggregate classification (germline): Uncertain significance (1 of 4 stars; one submission).

Conditions:
Temtamy preaxial brachydactyly syndrome (TPBS). Identifiers: Orphanet 363417, MedGen C1854466, MONDO:0011533, OMIM 605282.

gnomAD v4.1: 5 of 1,613,594 alleles (0.00031%); highest among the groups gnomAD compares: Admixed American, 0.0083%; no homozygotes.

Submission:

Labcorp Genetics (formerly Invitae), Labcorp
Classification: Uncertain significance for Temtamy preaxial brachydactyly syndrome. Last evaluated: 2024-04-05. Review status: criteria provided, single submitter. Criteria: Invitae Variant Classification Sherloc (09022015). Collection method: clinical testing. Allele origin: germline.
Comment: This sequence change replaces threonine, which is neutral and polar, with alanine, which is neutral and non-polar, at codon 774 of the CHSY1 protein (p.Thr774Ala). This variant is present in population databases (no rsID available, gnomAD 0.003%). This variant has not been reported in the literature in individuals affected with CHSY1-related conditions. ClinVar contains an entry for this variant (Variation ID: 966757). Advanced modeling of protein sequence and biophysical properties (such as structural, functional, and spatial information, amino acid conservation, physicochemical variation, residue mobility, and thermodynamic stability) performed at Invitae indicates that this missense variant is not expected to disrupt CHSY1 protein function with a negative predictive value of 80%. In summary, the available evidence is currently insufficient to determine the role of this variant in disease. Therefore, it has been classified as a Variant of Uncertain Significance.